The following is an entry in ClinVar:

ClinVar aggregate classification (germline): Pathogenic (1 of 4 stars; one submission).

Conditions:
Orofaciodigital syndrome I (OFD1). Also called: Papillon-Leage and Psaume Syndrome; Oral-Facial-Digital Syndrome Type I; OFDS I. Identifiers: Orphanet 2750, MedGen C1510460, MONDO:0010702, OMIM 311200.
Joubert syndrome. Also called: Familial aplasia of the vermis; CEREBELLOPARENCHYMAL DISORDER IV; JOUBERT-BOLTSHAUSER SYNDROME. Identifiers: Orphanet 475, MedGen C5979921, MONDO:0018772.

Submission:

Labcorp Genetics (formerly Invitae), Labcorp
Classification: Pathogenic for Orofaciodigital syndrome I; Joubert syndrome. Last evaluated: 2018-05-30. Review status: criteria provided, single submitter. Criteria: Invitae Variant Classification Sherloc (09022015). Collection method: clinical testing. Allele origin: germline.
Comment: For these reasons, this variant has been classified as Pathogenic. Loss-of-function variants in OFD1 are known to be pathogenic (PMID: 16783569, 18546297, 27081566). This variant has been observed in an individual affected with oral-facial-digital type 1 syndrome (PMID: 24884629). This variant is not present in population databases (ExAC no frequency). This sequence change creates a premature translational stop signal (p.Arg306Serfs*2) in the OFD1 gene. It is expected to result in an absent or disrupted protein product.

Literature cited by the submitters: PubMed 16783569; PubMed 18546297; PubMed 27081566; PubMed 24884629.

NM_003611.3(OFD1):c.915_916del (p.Arg306fs)

Gene: OFD1 (OFD1 centriole and centriolar satellite protein; plus strand). Cytogenetic location: Xp22.2.
Variant type: Deletion.
Coding change: c.915_916del on transcript NM_003611.3 (MANE Select); coding-DNA positions 915 to 916, 2 bases deleted (AA; older notation c.915_916delAA).
Protein change: p.Arg306fs; shifts the reading frame from arginine 306.
Molecular consequence: frameshift variant.
Genome position (GRCh38, 1-based): chrX:13,749,513-13,749,514, AA deleted; deleting any 2 consecutive bases within chrX:13,749,512-13,749,514 gives the same sequence; the c. name uses the placement nearest the transcript's 3' end. VCF-style (leftmost placement, unchanged base first): chrX-13749511-CAA-C. GRCh37 (hg19) VCF-style: chrX-13767630-CAA-C.
Other names: c.915_916del, p.Arg306fs (NM_001330209.2); c.495_496del, p.Arg166fs (NM_001330210.2); short protein forms R166fs, R306fs.
Identifiers: ClinVar variation 575365 (VCV000575365.9), dbSNP rs1569128307, ClinGen allele CA891844244.